The following is an entry in ClinVar:

NM_004444.5(EPHB4):c.2397C>T (p.Ser799=)

Genes: EPHB4 (EPH receptor B4; minus strand), LOC126860124 (CDK7 strongly-dependent group 2 enhancer GRCh37_chr7:100403701-100404900; plus strand). Cytogenetic location: 7q22.1.
Variant type: single nucleotide variant.
Coding change: c.2397C>T on transcript NM_004444.5 (MANE Select); coding-DNA position 2397, C replaced by T.
Protein change: p.Ser799=; no amino-acid change (serine 799 retained).
Molecular consequence: synonymous variant.
Genome position (GRCh38, 1-based): chr7:100,806,507, G>A on the plus strand (C>T on the coding strand, the complement: EPHB4 is on the minus strand). VCF-style: chr7-100806507-G-A. GRCh37 (hg19) VCF-style: chr7-100404129-G-A.
Identifiers: ClinVar variation 1790635 (VCV001790635.13), dbSNP rs201140601, ClinGen allele CA4392655.
Genomic context (GRCh38, chr7:100,806,507, plus strand): 5'-CCTCTCCCCAAATGACATCACCTCCCACATCACAATCCCGTAACTCCAGGCATCACTGGC[G>A]GAAGTGAACTTCCGGAAGGCAATGGCCTCCGGGGCAGTCCATCGGATGGGAATCTTTCCT-3'
Protein context (NP_004435.3, residues 789-809): PEAIAFRKFT[Ser799=]ASDAWSYGIV

ClinVar aggregate classification (germline): Benign/Likely benign. Review status: criteria provided, multiple submitters, no conflicts (2 of 4 stars). 4 submissions from 4 submitters: Benign (1); Likely benign (3). Last evaluated 2026-01-13.

Conditions:
Cardiovascular phenotype. Identifiers: MedGen CN230736.

Allele frequency attached by ClinVar (database versions not stated): gnomAD 0.00005; TOPMed 0.00007; ExAC 0.00010; ESP Exome Variant Server 0.00015; 1000 Genomes Project 30x 0.00016; 1000 Genomes Project 0.00020.
gnomAD v4.1: 256 of 1,614,072 alleles (0.016%); highest among the groups gnomAD compares: Middle Eastern, 0.12%; 1 homozygote.

Submissions (4):

Labcorp Genetics (formerly Invitae), Labcorp
Classification: Benign. Last evaluated: 2026-01-13. Review status: criteria provided, single submitter. Criteria: Invitae Variant Classification Sherloc (09022015). Collection method: clinical testing. Allele origin: germline.

CeGaT Center for Human Genetics Tuebingen
Classification: Likely benign. Last evaluated: 2025-07-01. Review status: criteria provided, single submitter. Criteria: CeGaT Center For Human Genetics Tuebingen Variant Classification Criteria Version 2. Collection method: clinical testing. Allele origin: germline. Affected: yes. Observed: 1 variant allele.
Comment: EPHB4: BP4, BP7

Blueprint Genetics
Classification: Likely benign. Last evaluated: 2024-08-16. Review status: criteria provided, single submitter. Criteria: ACMG Guidelines, 2015. Collection method: clinical testing. Allele origin: germline.

Ambry Genetics
Classification: Likely benign for Cardiovascular phenotype. Last evaluated: 2022-05-30. Review status: criteria provided, single submitter. Criteria: Ambry Variant Classification Scheme 2023. Collection method: clinical testing. Allele origin: germline.